The following is an entry in ClinVar:

ClinVar aggregate classification (germline): Likely benign. Review status: criteria provided, single submitter (1 of 4 stars). 2 submissions from 2 submitters: Likely benign (1). 1 of the submissions does not count toward it. Last evaluated 2023-01-01.

Conditions:
ROBO3-related disorder. Also called: ROBO3-related condition.

Allele frequency attached by ClinVar (database versions not stated): ExAC 0.00001; TOPMed 0.00002; gnomAD 0.00003.
gnomAD v4.1: 15 of 1,600,414 alleles (0.00094%); highest among the groups gnomAD compares: African/African-American, 0.0013%; no homozygotes.

Submissions (2):

CeGaT Center for Human Genetics Tuebingen
Classification: Likely benign. Last evaluated: 2023-01-01. Review status: criteria provided, single submitter. Criteria: CeGaT Center For Human Genetics Tuebingen Variant Classification Criteria Version 2. Collection method: clinical testing. Allele origin: germline. Affected: yes. Observed: 1 variant allele.
Comment: ROBO3: BP4, BP7

PreventionGenetics, part of Exact Sciences
Classification: Likely benign for ROBO3-related condition. Last evaluated: 2019-09-25. Review status: no assertion criteria provided. Collection method: clinical testing. Allele origin: germline. Not counted in ClinVar's aggregate classification.
Comment: This variant is classified as likely benign based on ACMG/AMP sequence variant interpretation guidelines (Richards et al. 2015 PMID: 25741868, with internal and published modifications).

NM_022370.4(ROBO3):c.2865C>A (p.Gly955=)

Gene: ROBO3 (roundabout guidance receptor 3; plus strand). Cytogenetic location: 11q24.2.
Variant type: single nucleotide variant.
Coding change: c.2865C>A on transcript NM_022370.4 (MANE Select); coding-DNA position 2865, C replaced by A.
Protein change: p.Gly955=; no amino-acid change (glycine 955 retained).
Molecular consequence: synonymous variant. On other transcripts: non-coding transcript variant (7).
Genome position (GRCh38, 1-based): chr11:124,877,537, C>A. VCF-style: chr11-124877537-C-A. GRCh37 (hg19) VCF-style: chr11-124747433-C-A.
Other names: c.12C>A, p.Gly4= (NM_001370356.1, NM_001370357.1, NM_001370358.1 and 4 more transcripts); c.2865C>A (NM_022370.3).
Identifiers: ClinVar variation 2642501 (VCV002642501.25), dbSNP rs759094418, ClinGen allele CA6343954.